The following is an entry in ClinVar:

NM_025152.3(NUBPL):c.*1685A>G

Gene: NUBPL (NUBP iron-sulfur cluster assembly factor, mitochondrial; plus strand). Cytogenetic location: 14q12.
Variant type: single nucleotide variant.
Coding change: c.*1685A>G on transcript NM_025152.3 (MANE Select); 1685 bases downstream of the stop codon, A replaced by G.
Molecular consequence: 3 prime UTR variant. On other transcripts: non-coding transcript variant (1).
Genome position (GRCh38, 1-based): chr14:31,860,865, A>G. VCF-style: chr14-31860865-A-G. GRCh37 (hg19) VCF-style: chr14-32330071-A-G.
Other names: c.*1685A>G (NM_001201573.2, NM_001201574.2).
Identifiers: ClinVar variation 313067 (VCV000313067.6), dbSNP rs1129622, ClinGen allele CA10645239.

ClinVar aggregate classification (germline): Benign. Review status: criteria provided, multiple submitters, no conflicts (2 of 4 stars). 2 submissions from 2 submitters: Benign (2). Last evaluated 2018-01-13.

Conditions:
Mitochondrial complex I deficiency, nuclear type 1. Also called: NADH-COENZYME Q REDUCTASE DEFICIENCY; MITOCHONDRIAL NADH DEHYDROGENASE COMPONENT OF COMPLEX I, DEFICIENCY OF. Identifiers: MedGen C6022305, MONDO:0100224, OMIM 252010.

Allele frequency attached by ClinVar (database versions not stated): gnomAD 0.44269; TOPMed 0.44926; 1000 Genomes Project 0.48602; 1000 Genomes Project 30x 0.49204.

Submissions (2):

Illumina Laboratory Services, Illumina
Classification: Benign for Mitochondrial complex I deficiency, nuclear type 1. Last evaluated: 2018-01-13. Review status: criteria provided, single submitter. Criteria: ICSL Variant Classification Criteria 13 December 2019. Collection method: clinical testing. Allele origin: germline.
Comment: This variant was observed in the ICSL laboratory as part of a predisposition screen in an ostensibly healthy population. It had not been previously curated by ICSL or reported in the Human Gene Mutation Database (HGMD: prior to June 1st, 2018), and was therefore a candidate for classification through an automated scoring system. Utilizing variant allele frequency, disease prevalence and penetrance estimates, and inheritance mode, an automated score was calculated to assess if this variant is too frequent to cause the disease. Based on the score and internal cut-off values, a variant classified as benign is not then subjected to further curation. The score for this variant resulted in a classification of benign for this disease.

Breakthrough Genomics
Classification: Benign. Review status: criteria provided, single submitter. Criteria: ACMG Guidelines, 2015. Collection method: not provided. Allele origin: germline. Inheritance: Autosomal recessive inheritance. Affected: yes.